The following is an entry in ClinVar:

ClinVar aggregate classification (germline): Uncertain significance (1 of 4 stars; one submission).

Conditions:
Fanconi anemia (FA). Also called: Fanconi's anemia. Identifiers: Orphanet 84, MedGen C0015625, MeSH D005199, MONDO:0019391.

Submission:

Labcorp Genetics (formerly Invitae), Labcorp
Classification: Uncertain significance for Fanconi anemia. Last evaluated: 2024-10-16. Review status: criteria provided, single submitter. Criteria: Invitae Variant Classification Sherloc (09022015). Collection method: clinical testing. Allele origin: germline.
Comment: This sequence change replaces tyrosine, which is neutral and polar, with cysteine, which is neutral and slightly polar, at codon 1361 of the FANCA protein (p.Tyr1361Cys). This variant is not present in population databases (gnomAD no frequency). This variant has not been reported in the literature in individuals affected with FANCA-related conditions. Invitae Evidence Modeling of protein sequence and biophysical properties (such as structural, functional, and spatial information, amino acid conservation, physicochemical variation, residue mobility, and thermodynamic stability) indicates that this missense variant is expected to disrupt FANCA protein function with a positive predictive value of 95%. In summary, the available evidence is currently insufficient to determine the role of this variant in disease. Therefore, it has been classified as a Variant of Uncertain Significance.

NM_000135.4(FANCA):c.4082A>G (p.Tyr1361Cys)

Genes: FANCA (FA complementation group A; minus strand), ZNF276 (zinc finger protein 276; plus strand). Cytogenetic location: 16q24.3.
Variant type: single nucleotide variant.
Coding change: c.4082A>G on transcript NM_000135.4 (MANE Select); coding-DNA position 4082, A replaced by G.
Protein change: p.Tyr1361Cys; replaces tyrosine 1361 with cysteine.
Molecular consequence: missense variant. On other transcripts: 3 prime UTR variant (2), non-coding transcript variant (4).
Genome position (GRCh38, 1-based): chr16:89,739,218, T>C on the plus strand (A>G on the coding strand, the complement: FANCA is on the minus strand). VCF-style: chr16-89739218-T-C. GRCh37 (hg19) VCF-style: chr16-89805626-T-C.
Other names: c.4082A>G, p.Tyr1361Cys (NM_001286167.3); c.*972T>C (NM_001113525.2, NM_152287.4); short protein forms Y1361C.
Identifiers: ClinVar variation 3720997 (VCV003720997.2).